The following is an entry in ClinVar:

NM_000094.4(COL7A1):c.4722+11C>T

Gene: COL7A1 (collagen type VII alpha 1 chain; minus strand). Cytogenetic location: 3p21.31.
Variant type: single nucleotide variant.
Coding change: c.4722+11C>T on transcript NM_000094.4 (MANE Select); 11 bases into the intron after coding-DNA position 4722, C replaced by T.
Molecular consequence: intron variant.
Genome position (GRCh38, 1-based): chr3:48,581,695, G>A on the plus strand (C>T on the coding strand, the complement: COL7A1 is on the minus strand). VCF-style: chr3-48581695-G-A. GRCh37 (hg19) VCF-style: chr3-48619128-G-A.
Identifiers: ClinVar variation 345845 (VCV000345845.14), dbSNP rs145729790, ClinGen allele CA2379880.

ClinVar aggregate classification (germline): Benign/Likely benign. Review status: criteria provided, multiple submitters, no conflicts (2 of 4 stars). 4 submissions from 4 submitters: Benign (3); Likely benign (1). Last evaluated 2026-01-26.

Conditions:
Epidermolysis bullosa dystrophica. Also called: Dystrophic epidermolysis bullosa, Hallopeau-Siemens type (formerly); Dystrophic epidermolysis bullosa. Identifiers: Orphanet 303, MedGen C0079294, MONDO:0006543.

Allele frequency attached by ClinVar (database versions not stated): gnomAD exomes 0.00045 and 0.00123; gnomAD 0.00049 and 0.00062; TOPMed 0.00079; ExAC 0.00120; 1000 Genomes Project 30x 0.00187; 1000 Genomes Project 0.00220.
gnomAD v4.1: 766 of 1,613,996 alleles (0.047%); highest among the groups gnomAD compares: East Asian, 1.3%; 3 homozygotes.

Submissions (4):

Labcorp Genetics (formerly Invitae), Labcorp
Classification: Benign. Last evaluated: 2026-01-26. Review status: criteria provided, single submitter. Criteria: Invitae Variant Classification Sherloc (09022015). Collection method: clinical testing. Allele origin: germline.

Blueprint Genetics
Classification: Likely benign. Last evaluated: 2024-10-03. Review status: criteria provided, single submitter. Criteria: ACMG Guidelines, 2015. Collection method: clinical testing. Allele origin: germline.

Illumina Laboratory Services, Illumina
Classification: Benign for Dystrophic epidermolysis bullosa. Last evaluated: 2018-01-13. Review status: criteria provided, single submitter. Criteria: ICSL Variant Classification Criteria 13 December 2019. Collection method: clinical testing. Allele origin: germline.
Comment: This variant was observed in the ICSL laboratory as part of a predisposition screen in an ostensibly healthy population. It had not been previously curated by ICSL or reported in the Human Gene Mutation Database (HGMD: prior to June 1st, 2018), and was therefore a candidate for classification through an automated scoring system. Utilizing variant allele frequency, disease prevalence and penetrance estimates, and inheritance mode, an automated score was calculated to assess if this variant is too frequent to cause the disease. Based on the score and internal cut-off values, a variant classified as benign is not then subjected to further curation. The score for this variant resulted in a classification of benign for this disease.

Breakthrough Genomics
Classification: Benign. Review status: criteria provided, single submitter. Criteria: ACMG Guidelines, 2015. Collection method: not provided. Allele origin: germline. Inheritance: Autosomal recessive inheritance. Affected: yes.